The following is an entry in ClinVar:

ClinVar aggregate classification (germline): Pathogenic. Review status: criteria provided, multiple submitters, no conflicts (2 of 4 stars). 4 submissions from 4 submitters: Pathogenic (2). 2 of the submissions do not count toward it. Last evaluated 2024-11-27.

Conditions:
Hereditary factor VIII deficiency disease (HEMA). Also called: AUTOSOMAL HEMOPHILIA A; HEM A; Factor 8 deficiency, congenital; Hemophilia A, congenital; HEMOPHILIA, CLASSIC; Hemophilia A. Identifiers: Orphanet 98878, MedGen C0019069, MONDO:0010602, OMIM 306700.

Submissions (4):

Women's Health and Genetics/Laboratory Corporation of America, LabCorp
Classification: Pathogenic for Hereditary factor VIII deficiency disease. Last evaluated: 2024-11-27. Review status: criteria provided, single submitter. Criteria: LabCorp Variant Classification Summary - May 2015. Collection method: clinical testing. Allele origin: germline.
Comment: Variant summary: F8 c.3091_3094delAAGA (p.Lys1031LeufsX9) results in a premature termination codon, predicted to cause a truncation of the encoded protein or absence of the protein due to nonsense mediated decay, which are commonly known mechanisms for disease. The variant was absent in 180758 control chromosomes. c.3091_3094delAAGA has been reported in the literature in individuals affected with Factor VIII Deficiency (Hemophilia A) (example: Mosaad_2021). The following publication has been ascertained in the context of this evaluation (PMID: 33342086). ClinVar contains an entry for this variant (Variation ID: 369689). Based on the evidence outlined above, the variant was classified as pathogenic.

ARUP Laboratories, Molecular Genetics and Genomics, ARUP Laboratories
Classification: Pathogenic for Hereditary factor VIII deficiency disease. Last evaluated: 2021-01-15. Review status: criteria provided, single submitter. Criteria: ARUP Molecular Germline Variant Investigation Process 2021. Collection method: clinical testing. Allele origin: germline.
Comment: The F8 c.3091_3094delAAGA; p.Lys1031LeufsTer9 variant (rs1375894900), also reported as c.3093delAAGA, c.3261delAAGA, and c.3092-3095delAAGA, is reported in the literature in multiple individuals affected with severe hemophilia A (see F8 database and references therein, Ljung 1999). In vitro functional analyses demonstrate that individuals with this variant have factor VIII of <1% (F8 database). This variant is also reported in ClinVar (Variation ID: 369689). This variant is absent from general population databases (Exome Variant Server, Genome Aggregation Database), indicating it is not a common polymorphism. This variant causes a frameshift by deleting four nucleotides, so it is predicted to result in a truncated protein or mRNA subject to nonsense-mediated decay. Based on available information, this variant is considered to be pathogenic. References: Link to F8 database: Ljung RC et al. Origin of mutation in sporadic cases of haemophilia A. Br J Haematol. 1999 Sep;106(4):870-4.

Angelo Bianchi Bonomi Hemophilia and Thrombosis Center, Fondazione IRCCS Ca Granda Ospedale Maggiore Policlinico
Classification: Pathogenic for Hereditary factor VIII deficiency disease. Last evaluated: 2019-06-01. Review status: no assertion criteria provided. Collection method: clinical testing. Allele origin: germline. Affected: yes. Observed: 1 variant allele. Not counted in ClinVar's aggregate classification.

Molecular Genetics and Enzymology, National Research Centre
Classification: Pathogenic for Hereditary factor VIII deficiency disease. Last evaluated: 2016-03-15. Review status: no assertion criteria provided. Collection method: research. Allele origin: maternal. Affected: yes. Observed: 1 variant allele. Not counted in ClinVar's aggregate classification.

Literature cited by the submitters: PubMed 33342086 (cited by Women's Health and Genetics/Laboratory Corporation of America, LabCorp); PubMed 19740093 (cited by Angelo Bianchi Bonomi Hemophilia and Thrombosis Center, Fondazione IRCCS Ca Granda Ospedale Maggiore Policlinico); PubMed 18691168 (cited by Angelo Bianchi Bonomi Hemophilia and Thrombosis Center, Fondazione IRCCS Ca Granda Ospedale Maggiore Policlinico); PubMed 29296726 (cited by Angelo Bianchi Bonomi Hemophilia and Thrombosis Center, Fondazione IRCCS Ca Granda Ospedale Maggiore Policlinico); PubMed 18184865 (cited by Angelo Bianchi Bonomi Hemophilia and Thrombosis Center, Fondazione IRCCS Ca Granda Ospedale Maggiore Policlinico).

NM_000132.4(F8):c.3091_3094del (p.Lys1031fs)

Gene: F8 (coagulation factor VIII; minus strand). Cytogenetic location: Xq28.
Variant type: Deletion.
Coding change: c.3091_3094del on transcript NM_000132.4 (MANE Select); coding-DNA positions 3091 to 3094, 4 bases deleted (AAGA; older notation c.3091_3094delAAGA).
Protein change: p.Lys1031fs; shifts the reading frame from lysine 1031.
Molecular consequence: frameshift variant.
Genome position (GRCh38, 1-based): chrX:154,930,696-154,930,699, TCTT deleted on the plus strand (AAGA on the coding strand, the reverse complement: F8 is on the minus strand); deleting any 4 consecutive bases within chrX:154,930,696-154,930,702 gives the same sequence; the c. name uses the placement nearest the transcript's 3' end. VCF-style (leftmost placement, unchanged base first): chrX-154930695-GTCTT-G. GRCh37 (hg19) VCF-style: chrX-154158970-GTCTT-G.
Other names: c.3091_3094delAAGA (NM_000132.4, NM_000132.3); short protein forms K1031fs.
Identifiers: ClinVar variation 369689 (VCV000369689.13), dbSNP rs1375894900, ClinGen allele CA645509240.
Genomic context (GRCh38, chrX:154,930,695, plus strand): 5'-AATATATTTTGCCAGACTGATGGACTATTCTCAATTAATAATGATGGGCCATCAATGTGA[GTCTT>G]TCTATTAGTTGCTGAATTATTGGAAGTTTTGTTTGTCTTTAACAAAGAGATGCTAACTTT-3'